The following is an entry in ClinVar:

ClinVar aggregate classification (germline): Uncertain significance (1 of 4 stars; one submission).

Conditions:
Methylmalonic acidemia with homocystinuria, type cblJ (MAHCJ). Also called: METHYLMALONIC ACIDURIA AND HOMOCYSTINURIA, cblJ TYPE. Identifiers: Orphanet 369955, MedGen C3553915, MONDO:0013925, OMIM 614857.

Allele frequency attached by ClinVar (database versions not stated): gnomAD exomes below 0.00001.

Submission:

Labcorp Genetics (formerly Invitae), Labcorp
Classification: Uncertain significance for Methylmalonic acidemia with homocystinuria, type cblJ. Last evaluated: 2022-10-05. Review status: criteria provided, single submitter. Criteria: Invitae Variant Classification Sherloc (09022015). Collection method: clinical testing. Allele origin: germline.
Comment: Advanced modeling of protein sequence and biophysical properties (such as structural, functional, and spatial information, amino acid conservation, physicochemical variation, residue mobility, and thermodynamic stability) performed at Invitae indicates that this missense variant is expected to disrupt ABCD4 protein function. ClinVar contains an entry for this variant (Variation ID: 1379265). This variant has not been reported in the literature in individuals affected with ABCD4-related conditions. This variant is not present in population databases (gnomAD no frequency). This sequence change replaces leucine, which is neutral and non-polar, with phenylalanine, which is neutral and non-polar, at codon 592 of the ABCD4 protein (p.Leu592Phe). In summary, the available evidence is currently insufficient to determine the role of this variant in disease. Therefore, it has been classified as a Variant of Uncertain Significance.

NM_005050.4(ABCD4):c.1774C>T (p.Leu592Phe)

Gene: ABCD4 (ATP binding cassette subfamily D member 4; minus strand). Cytogenetic location: 14q24.3.
Variant type: single nucleotide variant.
Coding change: c.1774C>T on transcript NM_005050.4 (MANE Select); coding-DNA position 1774, C replaced by T.
Protein change: p.Leu592Phe; replaces leucine 592 with phenylalanine.
Molecular consequence: missense variant. On other transcripts: 3 prime UTR variant (11), non-coding transcript variant (10).
Genome position (GRCh38, 1-based): chr14:74,286,508, G>A on the plus strand (C>T on the coding strand, the complement: ABCD4 is on the minus strand). VCF-style: chr14-74286508-G-A. GRCh37 (hg19) VCF-style: chr14-74753211-G-A.
Other names: c.*166C>T (NM_001353594.2, NM_001353599.2, NM_001353600.2 and 7 more transcripts); c.1360C>T, p.Leu454Phe (NM_001353595.2, NM_001353596.2); c.1309C>T, p.Leu437Phe (NM_001353597.2); c.1297C>T, p.Leu433Phe (NM_001353598.2, NM_020324.3); c.985C>T, p.Leu329Phe (NM_001353602.2, NM_001353603.2, NM_001353604.2 and 1 more transcripts); c.1648C>T, p.Leu550Phe (NM_001353591.2); c.1513C>T, p.Leu505Phe (NM_001353593.2); c.*282C>T (NM_001353610.2); short protein forms L329F, L437F, L433F, L454F, L550F, L592F, L505F.
Identifiers: ClinVar variation 1379265 (VCV001379265.6), dbSNP rs2139689489, ClinGen allele CA390376558.
Genomic context (GRCh38, chr14:74,286,508, plus strand): 5'-AAAAGCCAGAGCTTCATTCCACTTTGATTCTCATCAGCTCCCATCTTCCTCCTCCACAGA[G>A]TTTCAGAACCAAGGAATGAAACTACAAGAGACCACCACCACATGGAGATCAGGCTGCCCT-3'
Protein context (NP_005041.1, residues 582-602): LEKFHSLVLK[Leu592Phe]CGGGRWELMR